The following is an entry in ClinVar:

ClinVar aggregate classification (germline): Benign (1 of 4 stars; one submission).

Conditions:
Progressive external ophthalmoplegia with mitochondrial DNA deletions, autosomal dominant 2. Also called: PROGRESSIVE EXTERNAL OPHTHALMOPLEGIA, AUTOSOMAL DOMINANT 2. Identifiers: MedGen C1836460, MONDO:0012238, OMIM 609283.

Allele frequency attached by ClinVar (database versions not stated): gnomAD 0.00133 and 0.00404; TOPMed 0.00242; 1000 Genomes Project 30x 0.02811; 1000 Genomes Project 0.02995.

Submission:

Illumina Laboratory Services, Illumina
Classification: Benign for Progressive external ophthalmoplegia with mitochondrial DNA deletions, autosomal dominant 2. Last evaluated: 2018-01-13. Review status: criteria provided, single submitter. Criteria: ICSL Variant Classification Criteria 13 December 2019. Collection method: clinical testing. Allele origin: germline.
Comment: This variant was observed in the ICSL laboratory as part of a predisposition screen in an ostensibly healthy population. It had not been previously curated by ICSL or reported in the Human Gene Mutation Database (HGMD: prior to June 1st, 2018), and was therefore a candidate for classification through an automated scoring system. Utilizing variant allele frequency, disease prevalence and penetrance estimates, and inheritance mode, an automated score was calculated to assess if this variant is too frequent to cause the disease. Based on the score and internal cut-off values, a variant classified as benign is not then subjected to further curation. The score for this variant resulted in a classification of benign for this disease.

NM_001151.4(SLC25A4):c.*1985T>C

Gene: SLC25A4 (solute carrier family 25 member 4; plus strand). Cytogenetic location: 4q35.1.
Variant type: single nucleotide variant.
Coding change: c.*1985T>C on transcript NM_001151.4 (MANE Select); 1985 bases downstream of the stop codon, T replaced by C.
Molecular consequence: 3 prime UTR variant.
Genome position (GRCh38, 1-based): chr4:185,148,956, T>C. VCF-style: chr4-185148956-T-C. GRCh37 (hg19) VCF-style: chr4-186070110-T-C.
Identifiers: ClinVar variation 348268 (VCV000348268.5), dbSNP rs3733654, ClinGen allele CA10618376.